The following is an entry in ClinVar:

ClinVar aggregate classification (germline): Uncertain significance. Review status: criteria provided, multiple submitters, no conflicts (2 of 4 stars). 2 submissions from 2 submitters: Uncertain significance (2). Last evaluated 2024-08-01.

Allele frequency attached by ClinVar (database versions not stated): gnomAD 0.00002 and 0.00003; TOPMed 0.00004; gnomAD exomes 0.00007; ExAC 0.00014.
gnomAD v4.1: 67 of 1,499,504 alleles (0.0045%); highest among the groups gnomAD compares: Middle Eastern, 0.087%; 1 homozygote.

Submissions (2):

CeGaT Center for Human Genetics Tuebingen
Classification: Uncertain significance. Last evaluated: 2024-08-01. Review status: criteria provided, single submitter. Criteria: CeGaT Center For Human Genetics Tuebingen Variant Classification Criteria Version 2. Collection method: clinical testing. Allele origin: germline. Affected: yes. Observed: 2 variant alleles.
Comment: FSIP2: PM2, BP4; FSIP2-AS1: PM2, BP4

Ambry Genetics
Classification: Uncertain significance. Last evaluated: 2024-01-17. Review status: criteria provided, single submitter. Criteria: Ambry Variant Classification Scheme 2023. Collection method: clinical testing. Allele origin: germline.

NM_173651.4(FSIP2):c.1453C>T (p.Pro485Ser)

Gene: FSIP2 (fibrous sheath interacting protein 2; plus strand). Cytogenetic location: 2q32.1.
Variant type: single nucleotide variant.
Coding change: c.1453C>T on transcript NM_173651.4 (MANE Select); coding-DNA position 1453, C replaced by T.
Protein change: p.Pro485Ser; replaces proline 485 with serine.
Molecular consequence: missense variant.
Genome position (GRCh38, 1-based): chr2:185,782,746, C>T. VCF-style: chr2-185782746-C-T. GRCh37 (hg19) VCF-style: chr2-186647473-C-T.
Other names: c.1720C>T (NM_173651.2); short protein forms P485S.
Identifiers: ClinVar variation 1176750 (VCV001176750.36), dbSNP rs750004862, ClinGen allele CA2016528.
Genomic context (GRCh38, chr2:185,782,746, plus strand): 5'-TTATTTTTCTGATAAATAGGACCTCAGGCTCATGCTACAGACCCGGGTATATTTTCTTCT[C>T]CTGTTTACACAAATATGTAAGTACCTAAGGAATTATATATAATCATAACTAATTTTAATG-3'
Protein context (NP_775922.3, residues 475-495): HATDPGIFSS[Pro485Ser]VYTNMQQNLL